The following is an entry in ClinVar:

ClinVar aggregate classification (germline): Uncertain significance (1 of 4 stars; one submission).

Submission:

CeGaT Center for Human Genetics Tuebingen
Classification: Uncertain significance. Last evaluated: 2024-11-01. Review status: criteria provided, single submitter. Criteria: CeGaT Center For Human Genetics Tuebingen Variant Classification Criteria Version 2. Collection method: clinical testing. Allele origin: germline. Affected: yes. Observed: 1 variant allele.
Comment: SMAD2: PM2, PP2, PP3

NM_005901.6(SMAD2):c.835T>C (p.Tyr279His)

Gene: SMAD2 (SMAD family member 2; minus strand). Cytogenetic location: 18q21.1.
Variant type: single nucleotide variant.
Coding change: c.835T>C on transcript NM_005901.6 (MANE Select); coding-DNA position 835, T replaced by C.
Protein change: p.Tyr279His; replaces tyrosine 279 with histidine.
Molecular consequence: missense variant.
Genome position (GRCh38, 1-based): chr18:47,848,637, A>G on the plus strand (T>C on the coding strand, the complement: SMAD2 is on the minus strand). VCF-style: chr18-47848637-A-G. GRCh37 (hg19) VCF-style: chr18-45375008-A-G.
Other names: c.835T>C, p.Tyr279His (NM_001003652.4); c.745T>C, p.Tyr249His (NM_001135937.3); short protein forms Y249H, Y279H.
Identifiers: ClinVar variation 3390106 (VCV003390106.14).